The following is an entry in ClinVar:

ClinVar aggregate classification (germline): Uncertain significance (1 of 4 stars; one submission).

Conditions:
Townes syndrome (TBS). Also called: Townes-Brocks syndrome. Identifiers: Orphanet 857, MedGen C0265246, MeSH C536974, MONDO:0007142.

Submission:

Labcorp Genetics (formerly Invitae), Labcorp
Classification: Uncertain significance for Townes syndrome. Last evaluated: 2024-08-14. Review status: criteria provided, single submitter. Criteria: Invitae Variant Classification Sherloc (09022015). Collection method: clinical testing. Allele origin: germline.
Comment: This sequence change replaces serine, which is neutral and polar, with asparagine, which is neutral and polar, at codon 586 of the SALL1 protein (p.Ser586Asn). This variant is not present in population databases (gnomAD no frequency). This variant has not been reported in the literature in individuals affected with SALL1-related conditions. Invitae Evidence Modeling of protein sequence and biophysical properties (such as structural, functional, and spatial information, amino acid conservation, physicochemical variation, residue mobility, and thermodynamic stability) has been performed for this missense variant. However, the output from this modeling did not meet the statistical confidence thresholds required to predict the impact of this variant on SALL1 protein function. In summary, the available evidence is currently insufficient to determine the role of this variant in disease. Therefore, it has been classified as a Variant of Uncertain Significance.

NM_002968.3(SALL1):c.1757G>A (p.Ser586Asn)

Gene: SALL1 (spalt like transcription factor 1; minus strand). Cytogenetic location: 16q12.1.
Variant type: single nucleotide variant.
Coding change: c.1757G>A on transcript NM_002968.3 (MANE Select); coding-DNA position 1757, G replaced by A.
Protein change: p.Ser586Asn; replaces serine 586 with asparagine.
Molecular consequence: missense variant.
Genome position (GRCh38, 1-based): chr16:51,140,465, C>T on the plus strand (G>A on the coding strand, the complement: SALL1 is on the minus strand). VCF-style: chr16-51140465-C-T. GRCh37 (hg19) VCF-style: chr16-51174376-C-T.
Other names: c.1466G>A, p.Ser489Asn (NM_001127892.2); short protein forms S586N, S489N.
Identifiers: ClinVar variation 3662282 (VCV003662282.2).